The following is an entry in ClinVar:

NM_020937.4(FANCM):c.1223A>G (p.Asp408Gly)

Gene: FANCM (FA complementation group M; plus strand). Cytogenetic location: 14q21.2.
Variant type: single nucleotide variant.
Coding change: c.1223A>G on transcript NM_020937.4 (MANE Select); coding-DNA position 1223, A replaced by G.
Protein change: p.Asp408Gly; replaces aspartic acid 408 with glycine.
Molecular consequence: missense variant.
Genome position (GRCh38, 1-based): chr14:45,154,736, A>G. VCF-style: chr14-45154736-A-G. GRCh37 (hg19) VCF-style: chr14-45623939-A-G.
Other names: c.1145A>G, p.Asp382Gly (NM_001308133.2); c.1223A>G, p.Asp408Gly (NM_001308134.2); short protein forms D408G, D382G.
Identifiers: ClinVar variation 1412597 (VCV001412597.7), dbSNP rs1887060432, ClinGen allele CA389591169.

ClinVar aggregate classification (germline): Uncertain significance. Review status: criteria provided, multiple submitters, no conflicts (2 of 4 stars). 2 submissions from 2 submitters: Uncertain significance (2). Last evaluated 2024-06-30.

Conditions:
Fanconi anemia (FA). Also called: Fanconi's anemia. Identifiers: Orphanet 84, MedGen C0015625, MeSH D005199, MONDO:0019391.
Spermatogenic failure 28. Identifiers: MedGen C4748117, MONDO:0054732, OMIM 618086.
Premature ovarian failure 15. Identifiers: MedGen C4748170, MONDO:0054862, OMIM 618096.

Allele frequency attached by ClinVar (database versions not stated): gnomAD exomes 0.00001.
gnomAD v4.1: 11 of 1,602,428 alleles (0.00069%); highest among the groups gnomAD compares: Non-Finnish European, 0.00094%; no homozygotes.

Submissions (2):

Labcorp Genetics (formerly Invitae), Labcorp
Classification: Uncertain significance for Fanconi anemia. Last evaluated: 2024-06-30. Review status: criteria provided, single submitter. Criteria: Invitae Variant Classification Sherloc (09022015). Collection method: clinical testing. Allele origin: germline.
Comment: This sequence change replaces aspartic acid, which is acidic and polar, with glycine, which is neutral and non-polar, at codon 408 of the FANCM protein (p.Asp408Gly). This variant is not present in population databases (gnomAD no frequency). This variant has not been reported in the literature in individuals affected with FANCM-related conditions. ClinVar contains an entry for this variant (Variation ID: 1412597). An algorithm developed to predict the effect of missense changes on protein structure and function (PolyPhen-2) suggests that this variant is likely to be tolerated. In summary, the available evidence is currently insufficient to determine the role of this variant in disease. Therefore, it has been classified as a Variant of Uncertain Significance.

Fulgent Genetics
Classification: Uncertain significance for Spermatogenic failure 28; Premature ovarian failure 15. Last evaluated: 2021-07-19. Review status: criteria provided, single submitter. Criteria: ACMG Guidelines, 2015. Collection method: clinical testing. Allele origin: unknown.